The following is an entry in ClinVar:

NM_001080439.3(HSF5):c.321G>A (p.Pro107=)

Gene: HSF5 (heat shock transcription factor 5; minus strand). Cytogenetic location: 17q22.
Variant type: single nucleotide variant.
Coding change: c.321G>A on transcript NM_001080439.3 (MANE Select); coding-DNA position 321, G replaced by A.
Protein change: p.Pro107=; no amino-acid change (proline 107 retained).
Molecular consequence: synonymous variant.
Genome position (GRCh38, 1-based): chr17:58,487,954, C>T on the plus strand (G>A on the coding strand, the complement: HSF5 is on the minus strand). VCF-style: chr17-58487954-C-T. GRCh37 (hg19) VCF-style: chr17-56565315-C-T.
Identifiers: ClinVar variation 2647965 (VCV002647965.24), dbSNP rs147105379, ClinGen allele CA8673810.

ClinVar aggregate classification (germline): Likely benign (1 of 4 stars; one submission).

Allele frequency attached by ClinVar (database versions not stated): ESP Exome Variant Server 0.00008; gnomAD exomes 0.00010; ExAC 0.00015; TOPMed 0.00020; gnomAD 0.00021.
gnomAD v4.1: 201 of 1,611,168 alleles (0.012%); highest among the groups gnomAD compares: Admixed American, 0.067%; no homozygotes.

Submission:

CeGaT Center for Human Genetics Tuebingen
Classification: Likely benign. Last evaluated: 2022-12-01. Review status: criteria provided, single submitter. Criteria: CeGaT Center For Human Genetics Tuebingen Variant Classification Criteria Version 2. Collection method: clinical testing. Allele origin: germline. Affected: yes. Observed: 1 variant allele.
Comment: HSF5: BP4, BP7